The following is an entry in ClinVar:

ClinVar aggregate classification (germline): Benign. Review status: criteria provided, multiple submitters, no conflicts (2 of 4 stars). 6 submissions from 5 submitters: Benign (6). Last evaluated 2026-02-03.

Conditions:
Spinocerebellar ataxia 42, early-onset, severe, with neurodevelopmental deficits. Identifiers: MedGen C4748120, MONDO:0060758, OMIM 618087.
Spinocerebellar ataxia type 42. Identifiers: Orphanet 458803, MedGen C4225205, MONDO:0014776, OMIM 616795.

Allele frequency attached by ClinVar (database versions not stated): TOPMed 0.40450; ESP Exome Variant Server 0.37423; gnomAD 0.42004; 1000 Genomes Project 30x 0.51374; gnomAD exomes 0.52096; ExAC 0.55542; 1000 Genomes Project 0.52396.
gnomAD v4.1: 738,005 of 1,554,248 alleles (47%); highest among the groups gnomAD compares: East Asian, 93%; 185,237 homozygotes.

Submissions (6):

Labcorp Genetics (formerly Invitae), Labcorp
Classification: Benign. Last evaluated: 2026-02-03. Review status: criteria provided, single submitter. Criteria: Invitae Variant Classification Sherloc (09022015). Collection method: clinical testing. Allele origin: germline.

Mayo Clinic Laboratories, Mayo Clinic
Classification: Benign. Last evaluated: 2022-03-24. Review status: criteria provided, single submitter. Criteria: ACMG Guidelines, 2015. Collection method: clinical testing. Allele origin: germline. Observed: 333 variant alleles.

Genome-Nilou Lab
Classification: Benign for Spinocerebellar ataxia type 42. Last evaluated: 2021-07-14. Review status: criteria provided, single submitter. Criteria: ACMG Guidelines, 2015. Collection method: clinical testing. Allele origin: germline. Affected: no.

Genome-Nilou Lab
Classification: Benign for Spinocerebellar ataxia 42, early-onset, severe, with neurodevelopmental deficits. Last evaluated: 2021-07-14. Review status: criteria provided, single submitter. Criteria: ACMG Guidelines, 2015. Collection method: clinical testing. Allele origin: germline. Affected: no.

GeneDx
Classification: Benign. Last evaluated: 2016-01-07. Review status: criteria provided, single submitter. Criteria: GeneDx Variant Classification (06012015). Collection method: clinical testing. Allele origin: germline. Affected: yes.
Comment: This variant is considered likely benign or benign based on one or more of the following criteria: it is a conservative change, it occurs at a poorly conserved position in the protein, it is predicted to be benign by multiple in silico algorithms, and/or has population frequency not consistent with disease.

Breakthrough Genomics
Classification: Benign. Review status: criteria provided, single submitter. Criteria: ACMG Guidelines, 2015. Collection method: not provided. Allele origin: germline. Inheritance: Autosomal dominant inheritance. Affected: yes.

NM_018896.5(CACNA1G):c.1591C>A (p.Arg531=)

Gene: CACNA1G (calcium voltage-gated channel subunit alpha1 G; plus strand). Cytogenetic location: 17q21.33.
Variant type: single nucleotide variant.
Coding change: c.1591C>A on transcript NM_018896.5 (MANE Select); coding-DNA position 1591, C replaced by A.
Protein change: p.Arg531=; no amino-acid change (arginine 531 retained).
Molecular consequence: synonymous variant. On other transcripts: non-coding transcript variant (5).
Genome position (GRCh38, 1-based): chr17:50,575,993, C>A. VCF-style: chr17-50575993-C-A. GRCh37 (hg19) VCF-style: chr17-48653354-C-A.
Other names: p.Arg531=; c.1591C>A, p.Arg531= (NM_001256324.2, NM_001256325.2, NM_001256326.2 and 24 more transcripts).
Identifiers: ClinVar variation 377617 (VCV000377617.11), dbSNP rs12449998, ClinGen allele CA8652198.
Genomic context (GRCh38, chr17:50,575,993, plus strand): 5'-ACGCTCAGGGCCCCCCGGGCCAGCCCGGAGATCCAGGACAGGGATGCCAATGGGTCCCGC[C>A]GGCTCATGCTGCCACCACCCTCGACGCCTGCCCTCTCCGGGGCCCCCCCTGGTGGCGCAG-3'
Protein context (NP_061496.2, residues 521-541): IQDRDANGSR[Arg531=]LMLPPPSTPA